The following is an entry in ClinVar:

ClinVar aggregate classification (germline): Pathogenic (1 of 4 stars; one submission).

Conditions:
Inborn genetic diseases. Identifiers: MedGen C0950123, MeSH D030342.

Submission:

Ambry Genetics
Classification: Pathogenic for Inborn genetic diseases. Last evaluated: 2025-01-29. Review status: criteria provided, single submitter. Criteria: Ambry Variant Classification Scheme 2023. Collection method: clinical testing. Allele origin: germline.
Comment: The c.271_274dupAAGC (p.R92Qfs*26) alteration, located in exon 6 (coding exon 3) of the PAX6 gene, consists of a duplication of AAGC at position 271, causing a translational frameshift with a predicted alternate stop codon after 26 amino acids. This alteration is expected to result in loss of function by premature protein truncation or nonsense-mediated mRNA decay. This variant was not reported in population-based cohorts in the Genome Aggregation Database (gnomAD). Based on the available evidence, this alteration is classified as pathogenic.

NM_001368894.2(PAX6):c.313_316dup (p.Arg106fs)

Gene: PAX6 (paired box 6; minus strand). Cytogenetic location: 11p13.
Variant type: Duplication.
Coding change: c.313_316dup on transcript NM_001368894.2 (MANE Select); coding-DNA positions 313 to 316, 4 bases duplicated (AAGC; older notation c.313_316dupAAGC).
Protein change: p.Arg106fs; shifts the reading frame from arginine 106.
Molecular consequence: frameshift variant. On other transcripts: 5 prime UTR variant (14), non-coding transcript variant (2), intron variant (8).
Genome position (GRCh38, 1-based): chr11:31,801,644-31,801,647, GCTT duplicated on the plus strand (AAGC on the coding strand, the reverse complement: PAX6 is on the minus strand). VCF-style (leftmost placement, unchanged base first): chr11-31801643-C-CGCTT. GRCh37 (hg19) VCF-style: chr11-31823191-C-CGCTT.
Other names: c.271_274dup, p.Arg92fs (NM_000280.6, NM_001127612.3, NM_001258464.2 and 10 more transcripts); c.313_316dup, p.Arg106fs (NM_001258462.3, NM_001258463.2, NM_001310158.2 and 6 more transcripts); c.-469_-466dup (NM_001310160.2, NM_001368902.2, NM_001368905.2); c.-138_-135dup (NM_001310161.3, NM_001368899.2, NM_001368900.2 and 8 more transcripts); c.514_517dup, p.Arg173fs (NM_001368910.2); c.316_319dup, p.Arg107fs (NM_001368911.2); c.388_391dup, p.Arg131fs (NM_001368918.2, NM_001368919.2); c.346_349dup, p.Arg117fs (NM_001368920.2); and 3 more; short protein forms R107fs, R131fs, R92fs, R106fs, R117fs, R173fs.
Identifiers: ClinVar variation 3885986 (VCV003885986.1).